The following is an entry in ClinVar:

NM_005462.5(MAGEC1):c.1350T>C (p.Ser450=)

Gene: MAGEC1 (MAGE family member C1; plus strand). Cytogenetic location: Xq27.2.
Variant type: single nucleotide variant.
Coding change: c.1350T>C on transcript NM_005462.5 (MANE Select); coding-DNA position 1350, T replaced by C.
Protein change: p.Ser450=; no amino-acid change (serine 450 retained).
Molecular consequence: synonymous variant.
Genome position (GRCh38, 1-based): chrX:141,906,754, T>C. VCF-style: chrX-141906754-T-C. GRCh37 (hg19) VCF-style: chrX-140994540-T-C.
Identifiers: ClinVar variation 3239009 (VCV003239009.19), dbSNP rs59536220.

ClinVar aggregate classification (germline): Likely benign (1 of 4 stars; one submission).

Allele frequency attached by ClinVar (database versions not stated): ExAC 0.00001; gnomAD exomes 0.00002; gnomAD 0.00005; 1000 Genomes Project 0.00795.
gnomAD v4.1: 26 of 1,176,870 alleles (0.0022%); highest among the groups gnomAD compares: Admixed American, 0.0046%; no homozygotes.

Submission:

CeGaT Center for Human Genetics Tuebingen
Classification: Likely benign. Last evaluated: 2026-09-01. Review status: criteria provided, single submitter. Criteria: CeGaT Center For Human Genetics Tuebingen Variant Classification Criteria Version 2. Collection method: clinical testing. Allele origin: germline. Affected: yes. Observed: 6 variant alleles.
Comment: MAGEC1: BP4, BP7, BS2